The following is an entry in ClinVar:

NM_001042492.3(NF1):c.4520T>G (p.Leu1507Ter)

Gene: NF1 (neurofibromin 1; plus strand). Cytogenetic location: 17q11.2.
Variant type: single nucleotide variant.
Coding change: c.4520T>G on transcript NM_001042492.3 (MANE Select); coding-DNA position 4520, T replaced by G.
Protein change: p.Leu1507Ter; replaces leucine 1507 with a stop codon.
Molecular consequence: nonsense.
Genome position (GRCh38, 1-based): chr17:31,260,458, T>G. VCF-style: chr17-31260458-T-G. GRCh37 (hg19) VCF-style: chr17-29587476-T-G.
Other names: c.4457T>G, p.Leu1486Ter (NM_000267.4); short protein forms L1486*, L1507*.
Identifiers: ClinVar variation 431645 (VCV000431645.7), dbSNP rs1135402863, ClinGen allele CA398999657.
Genomic context (GRCh38, chr17:31,260,458, plus strand): 5'-CTACAAGTGATGCAGTAAATCATAGTCTTTCCTTCATAAGTGACGGCAATGTGCTTGCTT[T>G]ACATCGTCTACTCTGGAACAATCAGGAGAAAATTGGGCAGTATCTTTCCAGCAACAGGTA-3'

ClinVar aggregate classification (germline): Pathogenic. Review status: criteria provided, single submitter (1 of 4 stars). 2 submissions from 2 submitters: Pathogenic (1). 1 of the submissions does not count toward it. Last evaluated 2019-05-25.

Conditions:
Neurofibromatosis, type 1 (NF1). Also called: Neurofibromatosis, type I; NEUROFIBROMATOSIS, TYPE I, SOMATIC; Peripheral type neurofibromatosis; VON RECKLINGHAUSEN DISEASE. Identifiers: Orphanet 636, MedGen C0027831, MONDO:0018975, OMIM 162200. Disease mechanism: loss of function.

Submissions (2):

Labcorp Genetics (formerly Invitae), Labcorp
Classification: Pathogenic for Neurofibromatosis, type 1. Last evaluated: 2019-05-25. Review status: criteria provided, single submitter. Criteria: Invitae Variant Classification Sherloc (09022015). Collection method: clinical testing. Allele origin: germline.
Comment: For these reasons, this variant has been classified as Pathogenic. Loss-of-function variants in NF1 are known to be pathogenic (PMID: 10712197, 23913538). This variant has been observed in an individual affected with neurofibromatosis type 1 (PMID: 28961165). ClinVar contains an entry for this variant (Variation ID: 431645). This variant is not present in population databases (ExAC no frequency). This sequence change creates a premature translational stop signal (p.Leu1486*) in the NF1 gene. It is expected to result in an absent or disrupted protein product.

Medical Genetics, University of Parma
Classification: Pathogenic for Neurofibromatosis type 1. Last evaluated: 2017-02-02. Review status: no assertion criteria provided. Collection method: clinical testing. Allele origin: germline. Affected: yes. Not counted in ClinVar's aggregate classification.

Literature cited by the submitters: PubMed 10712197 (cited by Labcorp Genetics (formerly Invitae), Labcorp); PubMed 23913538 (cited by Labcorp Genetics (formerly Invitae), Labcorp); PubMed 28961165 (cited by Labcorp Genetics (formerly Invitae), Labcorp).